The following is an entry in ClinVar:

NM_001199397.3(NEK1):c.1911G>A (p.Lys637=)

Gene: NEK1 (NIMA related kinase 1; minus strand). Cytogenetic location: 4q33.
Variant type: single nucleotide variant.
Coding change: c.1911G>A on transcript NM_001199397.3 (MANE Select); coding-DNA position 1911, G replaced by A.
Protein change: p.Lys637=; no amino-acid change (lysine 637 retained).
Molecular consequence: synonymous variant. On other transcripts: non-coding transcript variant (1).
Genome position (GRCh38, 1-based): chr4:169,507,715, C>T on the plus strand (G>A on the coding strand, the complement: NEK1 is on the minus strand). VCF-style: chr4-169507715-C-T. GRCh37 (hg19) VCF-style: chr4-170428866-C-T.
Other names: c.1779G>A, p.Lys593= (NM_001199398.3); c.1620G>A, p.Lys540= (NM_001199399.3); c.1695G>A, p.Lys565= (NM_001199400.3); c.1911G>A, p.Lys637= (NM_001374418.1); c.1827G>A, p.Lys609= (NM_001374419.1, NM_012224.4); c.1776G>A, p.Lys592= (NM_001374420.1); c.1701G>A, p.Lys567= (NM_001374421.1).
Identifiers: ClinVar variation 2915105 (VCV002915105.5), dbSNP rs1753547296, ClinGen allele CA442071005.

ClinVar aggregate classification (germline): Uncertain significance. Review status: criteria provided, multiple submitters, no conflicts (2 of 4 stars). 2 submissions from 2 submitters: Uncertain significance (2). Last evaluated 2026-02-24.

Conditions:
Short-rib thoracic dysplasia 6 with or without polydactyly (SRTD6). Also called: POLYDACTYLY WITH NEONATAL CHONDRODYSTROPHY, TYPE II; Majewski Syndrome; SHORT RIB-POLYDACTYLY SYNDROME, TYPE IIA; SHORT-RIB THORACIC DYSPLASIA 6 WITH POLYDACTYLY; SHORT-RIB THORACIC DYSPLASIA 6 WITHOUT POLYDACTYLY. Identifiers: MedGen C0024507, MONDO:0009894, OMIM 263520.

Allele frequency attached by ClinVar (database versions not stated): gnomAD exomes below 0.00001; TOPMed 0.00001.
gnomAD v4.1: 2 of 1,610,132 alleles (0.00012%); highest among the groups gnomAD compares: Non-Finnish European, 0.000085%; no homozygotes.

Submissions (2):

Dasa
Classification: Uncertain significance. Last evaluated: 2026-02-24. Review status: criteria provided, single submitter. Criteria: DASA Assertion Criteria. Collection method: clinical testing. Allele origin: germline.
Comment: NM_001199397.3(NEK1):c.1911G>A (p.Lys637=) is a synonymous variant predicted not to alter the encoded amino acid sequence. This variant is rare in population databases. Computational prediction algorithms are consistent with a deleterious effect. The currently available literature and clinical evidence are not sufficient to establish a definitive association between this variant and the reported condition. Therefore, this variant is classified as a variant of uncertain significance.

Labcorp Genetics (formerly Invitae), Labcorp
Classification: Uncertain significance for Short-rib thoracic dysplasia 6 with or without polydactyly. Last evaluated: 2025-06-12. Review status: criteria provided, single submitter. Criteria: Invitae Variant Classification Sherloc (09022015). Collection method: clinical testing. Allele origin: germline.
Comment: This sequence change affects codon 609 of the NEK1 mRNA. It is a 'silent' change, meaning that it does not change the encoded amino acid sequence of the NEK1 protein. This variant also falls at the last nucleotide of exon 20, which is part of the consensus splice site for this exon. This variant is not present in population databases (gnomAD no frequency). This variant has not been reported in the literature in individuals affected with NEK1-related conditions. ClinVar contains an entry for this variant (Variation ID: 2915105). Variants that disrupt the consensus splice site are a relatively common cause of aberrant splicing (PMID: 17576681, 9536098). Algorithms developed to predict the effect of sequence changes on RNA splicing suggest that this variant may disrupt the consensus splice site. In summary, the available evidence is currently insufficient to determine the role of this variant in disease. Therefore, it has been classified as a Variant of Uncertain Significance.

Literature cited by the submitters: PubMed 17576681 (cited by Labcorp Genetics (formerly Invitae), Labcorp); PubMed 9536098 (cited by Labcorp Genetics (formerly Invitae), Labcorp).